The following is an entry in ClinVar:

ClinVar aggregate classification (germline): Likely benign. Review status: criteria provided, multiple submitters, no conflicts (2 of 4 stars). 2 submissions from 2 submitters: Likely benign (2). Last evaluated 2024-09-05.

Conditions:
Type 2 diabetes mellitus. Also called: Type II diabetes mellitus. Identifiers: MedGen C0011860, MeSH D003924, MONDO:0005148, OMIM 125853, HP:0005978.
Hypoinsulinemic hypoglycemia and body hemihypertrophy. Also called: Hypoinsulinemic hypoglycemia and hemihypertrophy. Identifiers: Orphanet 293964, MedGen C3278384, MONDO:0009416, OMIM 240900.

Allele frequency attached by ClinVar (database versions not stated): gnomAD exomes 0.00008 and 0.00026; ESP Exome Variant Server 0.00015; TOPMed 0.00017; gnomAD 0.00023 and 0.00024; ExAC 0.00006.
gnomAD v4.1: 422 of 1,613,852 alleles (0.026%); highest among the groups gnomAD compares: Non-Finnish European, 0.033%; no homozygotes.

Submissions (2):

Labcorp Genetics (formerly Invitae), Labcorp
Classification: Likely benign for Hypoinsulinemic hypoglycemia and body hemihypertrophy; Type 2 diabetes mellitus. Last evaluated: 2024-09-05. Review status: criteria provided, single submitter. Criteria: Invitae Variant Classification Sherloc (09022015). Collection method: clinical testing. Allele origin: germline.

Centre for Mendelian Genomics, University Medical Centre Ljubljana
Classification: Likely benign for Type 2 diabetes mellitus. Last evaluated: 2019-08-22. Review status: criteria provided, single submitter. Criteria: ACMG Guidelines, 2015. Collection method: clinical testing. Allele origin: unknown. Affected: yes.
Comment: This variant was classified as: Likely benign. The following ACMG criteria were applied in classifying this variant: BP4,BS2.

NM_001626.6(AKT2):c.961-13C>T

Gene: AKT2 (AKT serine/threonine kinase 2; minus strand). Cytogenetic location: 19q13.2.
Variant type: single nucleotide variant.
Coding change: c.961-13C>T on transcript NM_001626.6 (MANE Select); 13 bases into the intron before coding-DNA position 961, C replaced by T.
Molecular consequence: intron variant.
Genome position (GRCh38, 1-based): chr19:40,236,117, G>A on the plus strand (C>T on the coding strand, the complement: AKT2 is on the minus strand). VCF-style: chr19-40236117-G-A. GRCh37 (hg19) VCF-style: chr19-40742024-G-A.
Other names: c.775-13C>T (NM_001243028.3, NM_001243027.3); c.832-13C>T (NM_001330511.1).
Identifiers: ClinVar variation 931619 (VCV000931619.6), dbSNP rs367671463, ClinGen allele CA9441612.
Genomic context (GRCh38, chr19:40,236,117, plus strand): 5'-CAGCCCCCACCAGTCCACGGCCCGGCCATAGTCATTGTCCTCCAGCACCTGAGGATGGAG[G>A]AGAAATGAGGGCTGGGCCCGTGGCCCTGAGGCTGGCATCACAGTCCTGCCCTCAGGGCAT-3'